The following is an entry in ClinVar:

NM_022124.6(CDH23):c.464A>G (p.Asn155Ser)

Gene: CDH23 (cadherin related 23; plus strand). Cytogenetic location: 10q22.1.
Variant type: single nucleotide variant.
Coding change: c.464A>G on transcript NM_022124.6 (MANE Select); coding-DNA position 464, A replaced by G.
Protein change: p.Asn155Ser; replaces asparagine 155 with serine.
Molecular consequence: missense variant.
Genome position (GRCh38, 1-based): chr10:71,566,776, A>G. VCF-style: chr10-71566776-A-G. GRCh37 (hg19) VCF-style: chr10-73326533-A-G.
Other names: c.464A>G, p.Asn155Ser (NM_001171930.2, NM_001171931.2, NM_001171932.2 and 1 more transcripts); short protein forms N155S.
Identifiers: ClinVar variation 1387182 (VCV001387182.6), dbSNP rs2132358187, ClinGen allele CA377111792.

ClinVar aggregate classification (germline): Uncertain significance (1 of 4 stars; one submission).

Submission:

Labcorp Genetics (formerly Invitae), Labcorp
Classification: Uncertain significance. Last evaluated: 2025-01-06. Review status: criteria provided, single submitter. Criteria: Invitae Variant Classification Sherloc (09022015). Collection method: clinical testing. Allele origin: germline.
Comment: This sequence change replaces asparagine, which is neutral and polar, with serine, which is neutral and polar, at codon 155 of the CDH23 protein (p.Asn155Ser). This variant is not present in population databases (gnomAD no frequency). This variant has not been reported in the literature in individuals affected with CDH23-related conditions. ClinVar contains an entry for this variant (Variation ID: 1387182). Invitae Evidence Modeling of protein sequence and biophysical properties (such as structural, functional, and spatial information, amino acid conservation, physicochemical variation, residue mobility, and thermodynamic stability) has been performed for this missense variant. However, the output from this modeling did not meet the statistical confidence thresholds required to predict the impact of this variant on CDH23 protein function. In summary, the available evidence is currently insufficient to determine the role of this variant in disease. Therefore, it has been classified as a Variant of Uncertain Significance.